The following is an entry in ClinVar:

ClinVar aggregate classification (germline): Uncertain significance. Review status: criteria provided, multiple submitters, no conflicts (2 of 4 stars). 2 submissions from 2 submitters: Uncertain significance (2). Last evaluated 2025-05-23.

Conditions:
Cardiovascular phenotype. Identifiers: MedGen CN230736.

Submissions (2):

Labcorp Genetics (formerly Invitae), Labcorp
Classification: Uncertain significance. Last evaluated: 2025-05-23. Review status: criteria provided, single submitter. Criteria: Invitae Variant Classification Sherloc (09022015). Collection method: clinical testing. Allele origin: germline.
Comment: This variant, c.1288_1302del, results in the deletion of 5 amino acid(s) of the ALPK3 protein (p.Ser430_Ala434del), but otherwise preserves the integrity of the reading frame. This variant is not present in population databases (gnomAD no frequency). This variant has not been reported in the literature in individuals affected with ALPK3-related conditions. ClinVar contains an entry for this variant (Variation ID: 1769005). Experimental studies and prediction algorithms are not available or were not evaluated, and the functional significance of this variant is currently unknown. In summary, the available evidence is currently insufficient to determine the role of this variant in disease. Therefore, it has been classified as a Variant of Uncertain Significance.

Ambry Genetics
Classification: Uncertain significance for Cardiovascular phenotype. Last evaluated: 2020-11-16. Review status: criteria provided, single submitter. Criteria: Ambry Variant Classification Scheme 2023. Collection method: clinical testing. Allele origin: germline.
Comment: The c.1288_1302del15 variant (also known as p.S430_A434del) is located in coding exon 5 of the ALPK3 gene. This variant results from an in-frame AGCGGGGCTCAAGCG deletion at nucleotide positions 1288 to 1302. This results in the in-frame deletion of five amino acids (serine, glycine, alanine, glutamine, and alanine) from codon 430 to 434. This amino acid region is not well conserved in available vertebrate species. In addition, this alteration is predicted to be deleterious by in silico analysis (Choi Y et al. PLoS ONE. 2012; 7(10):e46688). Since supporting evidence is limited at this time, the clinical significance of this alteration remains unclear.

NM_020778.5(ALPK3):c.682_696del (p.Ser228_Ala232del)

Gene: ALPK3 (alpha kinase 3; plus strand). Cytogenetic location: 15q25.3.
Variant type: Deletion.
Coding change: c.682_696del on transcript NM_020778.5 (MANE Select); coding-DNA positions 682 to 696, 15 bases deleted (AGCGGGGCTCAAGCG).
Protein change: p.Ser228_Ala232del.
Molecular consequence: inframe deletion.
Genome position (GRCh38, 1-based): chr15:84,839,961-84,839,975, AGCGGGGCTCAAGCG deleted; deleting any 15 consecutive bases within chr15:84,839,960-84,839,975 gives the same sequence; the c. name uses the placement nearest the transcript's 3' end. VCF-style (leftmost placement, unchanged base first): chr15-84839959-TGAGCGGGGCTCAAGC-T. GRCh37 (hg19) VCF-style: chr15-85383190-TGAGCGGGGCTCAAGC-T.
Identifiers: ClinVar variation 1769005 (VCV001769005.5), dbSNP rs1238102996, ClinGen allele CA716468907.